The following is an entry in ClinVar:

ClinVar aggregate classification (germline): Uncertain significance (1 of 4 stars; one submission).

Conditions:
Combined immunodeficiency due to OX40 deficiency. Also called: Immunodeficiency 16; OX40 DEFICIENCY. Identifiers: Orphanet 431149, MedGen C3810053, MONDO:0014268, OMIM 615593.

Allele frequency attached by ClinVar (database versions not stated): gnomAD below 0.00001 and 0.00001; gnomAD exomes 0.00002; TOPMed 0.00004.
gnomAD v4.1: 31 of 1,611,396 alleles (0.0019%); highest among the groups gnomAD compares: South Asian, 0.0033%; no homozygotes.

Submission:

Labcorp Genetics (formerly Invitae), Labcorp
Classification: Uncertain significance for Combined immunodeficiency due to OX40 deficiency. Last evaluated: 2025-08-18. Review status: criteria provided, single submitter. Criteria: Invitae Variant Classification Sherloc (09022015). Collection method: clinical testing. Allele origin: germline.
Comment: This sequence change replaces arginine, which is basic and polar, with histidine, which is basic and polar, at codon 108 of the TNFRSF4 protein (p.Arg108His). This variant is not present in population databases (gnomAD no frequency). This variant has not been reported in the literature in individuals affected with TNFRSF4-related conditions. ClinVar contains an entry for this variant (Variation ID: 970792). Invitae Evidence Modeling of protein sequence and biophysical properties (such as structural, functional, and spatial information, amino acid conservation, physicochemical variation, residue mobility, and thermodynamic stability) indicates that this missense variant is not expected to disrupt TNFRSF4 protein function with a negative predictive value of 80%. In summary, the available evidence is currently insufficient to determine the role of this variant in disease. Therefore, it has been classified as a Variant of Uncertain Significance.

NM_003327.4(TNFRSF4):c.323G>A (p.Arg108His)

Gene: TNFRSF4 (TNF receptor superfamily member 4; minus strand). Cytogenetic location: 1p36.33.
Variant type: single nucleotide variant.
Coding change: c.323G>A on transcript NM_003327.4 (MANE Select); coding-DNA position 323, G replaced by A.
Protein change: p.Arg108His; replaces arginine 108 with histidine.
Molecular consequence: missense variant.
Genome position (GRCh38, 1-based): chr1:1,213,039, C>T on the plus strand (G>A on the coding strand, the complement: TNFRSF4 is on the minus strand). VCF-style: chr1-1213039-C-T. GRCh37 (hg19) VCF-style: chr1-1148419-C-T.
Other names: short protein forms R108H.
Identifiers: ClinVar variation 970792 (VCV000970792.9), dbSNP rs1402392323, ClinGen allele CA337801491.
Genomic context (GRCh38, chr1:1,213,039, plus strand): 5'-CCACCGAGCTCACCAACTCCAGGCTTGTAGCTGTCCAGGGGCTGGGTGCCCGCCCGGCAG[C>T]GGCAGACTGTGTCCTGTGTGGCCGTGCACAGCTGCTTCCGCTCACTCCCACTTCCTGAGC-3'
Protein context (NP_003318.1, residues 98-118): LCTATQDTVC[Arg108His]CRAGTQPLDS